The following is an entry in ClinVar:

ClinVar aggregate classification (germline): Uncertain significance (1 of 4 stars; one submission).

Allele frequency attached by ClinVar (database versions not stated): gnomAD exomes below 0.00001; gnomAD 0.00001; TOPMed 0.00001.

Submission:

Labcorp Genetics (formerly Invitae), Labcorp
Classification: Uncertain significance. Last evaluated: 2023-02-16. Review status: criteria provided, single submitter. Criteria: Invitae Variant Classification Sherloc (09022015). Collection method: clinical testing. Allele origin: germline.
Comment: This sequence change replaces leucine, which is neutral and non-polar, with phenylalanine, which is neutral and non-polar, at codon 118 of the KCNK4 protein (p.Leu118Phe). This variant is not present in population databases (gnomAD no frequency). This variant has not been reported in the literature in individuals affected with KCNK4-related conditions. An algorithm developed to predict the effect of missense changes on protein structure and function (PolyPhen-2) suggests that this variant is likely to be disruptive. In summary, the available evidence is currently insufficient to determine the role of this variant in disease. Therefore, it has been classified as a Variant of Uncertain Significance.

NM_033310.3(KCNK4):c.352C>T (p.Leu118Phe)

Genes: KCNK4 (potassium two pore domain channel subfamily K member 4; plus strand), KCNK4-CATSPERZ (KCNK4-CATSPERZ readthrough (NMD candidate); plus strand). Cytogenetic location: 11q13.1.
Variant type: single nucleotide variant.
Coding change: c.352C>T on transcript NM_033310.3 (MANE Select); coding-DNA position 352, C replaced by T.
Protein change: p.Leu118Phe; replaces leucine 118 with phenylalanine.
Molecular consequence: missense variant. On other transcripts: non-coding transcript variant (3).
Genome position (GRCh38, 1-based): chr11:64,297,157, C>T. VCF-style: chr11-64297157-C-T. GRCh37 (hg19) VCF-style: chr11-64064629-C-T.
Other names: c.352C>T, p.Leu118Phe (NM_001317090.2, NM_033311.1); short protein forms L118F.
Identifiers: ClinVar variation 2837976 (VCV002837976.3), dbSNP rs1212186758, ClinGen allele CA381163943.